The following is an entry in ClinVar:

NM_017617.5(NOTCH1):c.2842G>A (p.Glu948Lys)

Gene: NOTCH1 (notch receptor 1; minus strand). Cytogenetic location: 9q34.3.
Variant type: single nucleotide variant.
Coding change: c.2842G>A on transcript NM_017617.5 (MANE Select); coding-DNA position 2842, G replaced by A.
Protein change: p.Glu948Lys; replaces glutamic acid 948 with lysine.
Molecular consequence: missense variant.
Genome position (GRCh38, 1-based): chr9:136,509,860, C>T on the plus strand (G>A on the coding strand, the complement: NOTCH1 is on the minus strand). VCF-style: chr9-136509860-C-T. GRCh37 (hg19) VCF-style: chr9-139404312-C-T.
Other names: short protein forms E948K.
Identifiers: ClinVar variation 1306504 (VCV001306504.4), dbSNP rs1843150542, ClinGen allele CA375553715.

ClinVar aggregate classification (germline): Uncertain significance. Review status: criteria provided, multiple submitters, no conflicts (2 of 4 stars). 3 submissions from 3 submitters: Uncertain significance (3). Last evaluated 2025-10-26.

Conditions:
Adams-Oliver syndrome 5 (AOS5). Identifiers: Orphanet 974, MedGen C4014970, MONDO:0014459, OMIM 616028.
Familial thoracic aortic aneurysm and aortic dissection (TAAD). Also called: Thoracic aortic aneurysms and dissections. Identifiers: Orphanet 91387, MedGen C4707243, MONDO:0019625.

Allele frequency attached by ClinVar (database versions not stated): gnomAD exomes below 0.00001; TOPMed below 0.00001; gnomAD 0.00001.
gnomAD v4.1: 4 of 1,612,996 alleles (0.00025%); highest among the groups gnomAD compares: East Asian, 0.0022%; no homozygotes.

Submissions (3):

Labcorp Genetics (formerly Invitae), Labcorp
Classification: Uncertain significance for Adams-Oliver syndrome 5. Last evaluated: 2025-10-26. Review status: criteria provided, single submitter. Criteria: Invitae Variant Classification Sherloc (09022015). Collection method: clinical testing. Allele origin: germline.
Comment: This sequence change replaces glutamic acid, which is acidic and polar, with lysine, which is basic and polar, at codon 948 of the NOTCH1 protein (p.Glu948Lys). This variant is not present in population databases (gnomAD no frequency). This variant has not been reported in the literature in individuals affected with NOTCH1-related conditions. ClinVar contains an entry for this variant (Variation ID: 1306504). Invitae Evidence Modeling of protein sequence and biophysical properties (such as structural, functional, and spatial information, amino acid conservation, physicochemical variation, residue mobility, and thermodynamic stability) indicates that this missense variant is expected to disrupt NOTCH1 protein function with a positive predictive value of 80%. In summary, the available evidence is currently insufficient to determine the role of this variant in disease. Therefore, it has been classified as a Variant of Uncertain Significance.

Ambry Genetics
Classification: Uncertain significance for Familial thoracic aortic aneurysm and aortic dissection. Last evaluated: 2024-05-02. Review status: criteria provided, single submitter. Criteria: Ambry Variant Classification Scheme 2023. Collection method: clinical testing. Allele origin: germline.
Comment: The p.E948K variant (also known as c.2842G>A), located in coding exon 18 of the NOTCH1 gene, results from a G to A substitution at nucleotide position 2842. The glutamic acid at codon 948 is replaced by lysine, an amino acid with similar properties. This amino acid position is conserved. In addition, this alteration is predicted to be deleterious by in silico analysis. Based on the available evidence, the clinical significance of this variant remains unclear.

GeneDx
Classification: Uncertain significance. Last evaluated: 2019-02-25. Review status: criteria provided, single submitter. Criteria: GeneDx Variant Classification Process June 2021. Collection method: clinical testing. Allele origin: germline. Affected: yes.
Comment: Not observed in large population cohorts (Lek et al., 2016); In silico analysis, which includes protein predictors and evolutionary conservation, supports a deleterious effect; Has not been previously published as pathogenic or benign to our knowledge